The following is an entry in ClinVar:

NM_002755.4(MAP2K1):c.607G>C (p.Glu203Gln)

Gene: MAP2K1 (mitogen-activated protein kinase kinase 1; plus strand). Cytogenetic location: 15q22.31.
Variant type: single nucleotide variant.
Coding change: c.607G>C on transcript NM_002755.4 (MANE Select); coding-DNA position 607, G replaced by C.
Protein change: p.Glu203Gln; replaces glutamic acid 203 with glutamine.
Molecular consequence: missense variant.
Genome position (GRCh38, 1-based): chr15:66,481,793, G>C. VCF-style: chr15-66481793-G-C. GRCh37 (hg19) VCF-style: chr15-66774131-G-C.
Other names: short protein forms E203Q.
Identifiers: ClinVar variation 1328146 (VCV001328146.4), dbSNP rs1057519733, ClinGen allele CA392936198.
Genomic context (GRCh38, chr15:66,481,793, plus strand): 5'-TTCTATTTTCTCTTCCCTGCAGATGTCAAGCCCTCCAACATCCTAGTCAACTCCCGTGGG[G>C]AGATCAAGCTCTGTGACTTTGGGGTCAGCGGGCAGCTCATCGACTCCATGGCCAACTCCT-3'
Protein context (NP_002746.1, residues 193-213): PSNILVNSRG[Glu203Gln]IKLCDFGVSG

ClinVar aggregate classification (germline): Pathogenic (1 of 4 stars; one submission).

Conditions:
Cardiofaciocutaneous syndrome 3 (CFC3). Also called: MAP2K1-Related Cardiofaciocutaneous Syndrome. Identifiers: Orphanet 1340, MedGen C3809006, MONDO:0014113, OMIM 615279.

Submission:

Illumina Laboratory Services, Illumina
Classification: Pathogenic for Cardiofaciocutaneous syndrome 3. Last evaluated: 2021-09-16. Review status: criteria provided, single submitter. Criteria: ICSLVariantClassificationCriteria RUGD 01 April 2020. Collection method: clinical testing. Allele origin: unknown.
Comment: The proband's phenotype included short stature, intellectual impairment, delayed motor development and brain atrophy. The proband also presented with pulmonic stenosis, an unspecified congenital heart malformation, strabismus and dysmorphic features including ptosis, downslanting palpebral fissures, abnormal low set ears, bitemporal narrowing, broad neck, sparse, dry hair, dry skin and missing eyebrows. The p.Glu203Gln variant is not found in the Genome Aggregation Database version 2.1.1 or version 3.1.1 in a region of good sequence coverage, which suggests the variant is rare. Experimental evidence suggests this variant may have a structural effect on the protein (Cheng et al. 2012). In addition, in a zebrafish embryo model, while expression was not noted to be different between the variant MEK1 and wild-type, statistical analyses evaluating the oval shape of the embryos suggested increased severity in the presence of the p.Glu203Gln variant compared to wild-type (Jindal et al. 2017). The adjacent c.608A>G (p.Glu203Gly) variant has been established as pathogenic for cardiofaciocutaneous syndrome by the RASopathy ClinGen Variant Curation Expert Panel (Gelb et al. 2018). In addition, another substitution at this location, c.608A>C (p.Glu203Ala), has been reported in an individual with cardiofaciocutaneous syndrome (Bertola et al. 2020). Based on the collective evidence, the c.607G>C (p.Glu203Gln) variant is classified as pathogenic for cardiofaciocutaneous syndrome.

Literature cited by the submitters: PubMed 18456719; PubMed 23093928; PubMed 28049852; PubMed 29493581; PubMed 33128510.